The following is an entry in ClinVar:

ClinVar aggregate classification (germline): Conflicting classifications of pathogenicity. Review status: criteria provided, conflicting classifications (1 of 4 stars). 2 submissions from 2 submitters: Uncertain significance (1); Benign (1). Last evaluated 2026-03-07.

Allele frequency attached by ClinVar (database versions not stated): 1000 Genomes Project 30x 0.00250; ExAC 0.00059; gnomAD 0.00200 and 0.00211; ESP Exome Variant Server 0.00254; gnomAD exomes 0.00016 and 0.00047; TOPMed 0.00216; 1000 Genomes Project 0.00240.
gnomAD v4.1: 546 of 1,610,568 alleles (0.034%); highest among the groups gnomAD compares: African/African-American, 0.66%; 3 homozygotes.

Submissions (2):

GeneDx
Classification: Uncertain significance. Last evaluated: 2026-03-07. Review status: criteria provided, single submitter. Criteria: GeneDx Variant Classification Process June 2021. Collection method: clinical testing. Allele origin: germline.
Comment: Nonsense variant predicted to result in protein truncation or nonsense mediated decay in a gene for which loss of function is a known mechanism of disease; Has not been previously published as pathogenic or benign to our knowledge; Reported using an alternate transcript of the gene

Labcorp Genetics (formerly Invitae), Labcorp
Classification: Benign. Last evaluated: 2026-01-09. Review status: criteria provided, single submitter. Criteria: Invitae Variant Classification Sherloc (09022015). Collection method: clinical testing. Allele origin: germline.

NM_001130145.3(YAP1):c.984+10C>T

Gene: YAP1 (Yes1 associated transcriptional regulator; plus strand). Cytogenetic location: 11q22.1.
Variant type: single nucleotide variant.
Coding change: c.984+10C>T on transcript NM_001130145.3 (MANE Select); 10 bases into the intron after coding-DNA position 984, C replaced by T.
Molecular consequence: intron variant. On other transcripts: nonsense (4).
Genome position (GRCh38, 1-based): chr11:102,206,084, C>T. VCF-style: chr11-102206084-C-T. GRCh37 (hg19) VCF-style: chr11-102076815-C-T.
Other names: c.880C>T, p.Gln294Ter (NM_001282098.2, NM_001282099.2); c.994C>T, p.Gln332Ter (NM_001282100.2, NM_001282101.2); c.984+10C>T (NM_001195044.2); c.870+10C>T (NM_001282097.2, NM_006106.5); c.450+10C>T (NM_001195045.2); short protein forms Q332*, Q294*.
Identifiers: ClinVar variation 746169 (VCV000746169.9), dbSNP rs73583921, ClinGen allele CA6246375.
Genomic context (GRCh38, chr11:102,206,084, plus strand): 5'-CAGATGGAGAAGGAGAGGCTGCGGCTGAAACAGCAAGAACTGCTTCGGCAGGTGAGGCCA[C>T]AGGTTAGAAACCAGCCTTCCACTTTTGGGGGTTTGTTTTCTTAAAGTTGGGCAGATTTCA-3'